The following is an entry in ClinVar:

ClinVar aggregate classification (germline): Uncertain significance (1 of 4 stars; one submission).

Allele frequency attached by ClinVar (database versions not stated): gnomAD exomes below 0.00001.
gnomAD v4.1: 1 of 1,614,196 alleles (0.000062%); highest among the groups gnomAD compares: Non-Finnish European, 0.000085%; no homozygotes.

Submission:

GeneDx
Classification: Uncertain significance. Last evaluated: 2022-02-25. Review status: criteria provided, single submitter. Criteria: GeneDx Variant Classification Process June 2021. Collection method: clinical testing. Allele origin: germline. Affected: yes.
Comment: Not observed at significant frequency in large population cohorts (gnomAD); In silico analysis supports that this missense variant does not alter protein structure/function; Has not been previously published as pathogenic or benign to our knowledge

NM_006662.3(SRCAP):c.5785C>T (p.Pro1929Ser)

Gene: SRCAP (Snf2 related CREBBP activator protein; plus strand). Cytogenetic location: 16p11.2.
Variant type: single nucleotide variant.
Coding change: c.5785C>T on transcript NM_006662.3 (MANE Select); coding-DNA position 5785, C replaced by T.
Protein change: p.Pro1929Ser; replaces proline 1929 with serine.
Molecular consequence: missense variant.
Genome position (GRCh38, 1-based): chr16:30,729,092, C>T. VCF-style: chr16-30729092-C-T. GRCh37 (hg19) VCF-style: chr16-30740413-C-T.
Other names: short protein forms P1929S.
Identifiers: ClinVar variation 1704001 (VCV001704001.2), dbSNP rs2506697402, ClinGen allele CA395621329.